The following is an entry in ClinVar:

NM_006506.5(RASA2):c.106G>A (p.Val36Met)

Genes: RASA2 (RAS p21 protein activator 2; plus strand), LOC129937686 (ATAC-STARR-seq lymphoblastoid silent region 14777; plus strand). Cytogenetic location: 3q23.
Variant type: single nucleotide variant.
Coding change: c.106G>A on transcript NM_006506.5 (MANE Select); coding-DNA position 106, G replaced by A.
Protein change: p.Val36Met; replaces valine 36 with methionine.
Molecular consequence: missense variant.
Genome position (GRCh38, 1-based): chr3:141,487,189, G>A. VCF-style: chr3-141487189-G-A. GRCh37 (hg19) VCF-style: chr3-141206031-G-A.
Other names: c.106G>A, p.Val36Met (NM_001303245.3, NM_001303246.3); short protein forms V36M.
Identifiers: ClinVar variation 3942998 (VCV003942998.1).

ClinVar aggregate classification (germline): Uncertain significance (1 of 4 stars; one submission).

gnomAD v4.1: 13 of 1,459,322 alleles (0.00089%); highest among the groups gnomAD compares: East Asian, 0.038%; no homozygotes.

Submission:

Ambry Genetics
Classification: Uncertain significance. Last evaluated: 2025-03-25. Review status: criteria provided, single submitter. Criteria: Ambry Variant Classification Scheme 2023. Collection method: clinical testing. Allele origin: germline.
Comment: The p.V36M variant (also known as c.106G>A), located in coding exon 1 of the RASA2 gene, results from a G to A substitution at nucleotide position 106. The valine at codon 36 is replaced by methionine, an amino acid with highly similar properties. This amino acid position is conserved. In addition, the in silico prediction for this alteration is inconclusive. Based on the available evidence, the clinical significance of this variant remains unclear.